The following is an entry in ClinVar:

NM_003849.4(SUCLG1):c.341C>T (p.Thr114Met)

Gene: SUCLG1 (succinate-CoA ligase GDP/ADP-forming subunit alpha; minus strand). Cytogenetic location: 2p11.2.
Variant type: single nucleotide variant.
Coding change: c.341C>T on transcript NM_003849.4 (MANE Select); coding-DNA position 341, C replaced by T.
Protein change: p.Thr114Met; replaces threonine 114 with methionine.
Molecular consequence: missense variant.
Genome position (GRCh38, 1-based): chr2:84,441,437, G>A on the plus strand (C>T on the coding strand, the complement: SUCLG1 is on the minus strand). VCF-style: chr2-84441437-G-A. GRCh37 (hg19) VCF-style: chr2-84668561-G-A.
Other names: p.T114M:ACG>ATG; short protein forms T114M.
Identifiers: ClinVar variation 203973 (VCV000203973.14), dbSNP rs201224138, ClinGen allele CA313054.

ClinVar aggregate classification (germline): Uncertain significance. Review status: criteria provided, multiple submitters, no conflicts (2 of 4 stars). 4 submissions from 4 submitters: Uncertain significance (4). Last evaluated 2024-12-20.

Conditions:
Mitochondrial DNA depletion syndrome 9 (MTDPS9). Also called: SUCLG1-Related Mitochondrial DNA Depletion Syndrome, Encephalomyopathic Form with Methylmalonic Aciduria. Identifiers: Orphanet 17, MedGen C3151476, MONDO:0009504, OMIM 245400.

Allele frequency attached by ClinVar (database versions not stated): 1000 Genomes Project 30x 0.00016; gnomAD exomes 0.00018 and 0.00039; 1000 Genomes Project 0.00020; ExAC 0.00020; gnomAD 0.00022 and 0.00025; ESP Exome Variant Server 0.00023; TOPMed 0.00023.

Submissions (4):

GeneDx
Classification: Uncertain significance. Last evaluated: 2024-12-20. Review status: criteria provided, single submitter. Criteria: GeneDx Variant Classification Process June 2021. Collection method: clinical testing. Allele origin: germline. Affected: yes.
Comment: In silico analysis supports that this missense variant has a deleterious effect on protein structure/function; Identified in a patient who underwent a targeted exome sequencing study of mitochondrial disorders; this variant was paternally inherited and classified as a variant of uncertain significance (PMID: 24215330); This variant is associated with the following publications: (PMID: 24215330)

Blueprint Genetics
Classification: Uncertain significance. Last evaluated: 2024-09-05. Review status: criteria provided, single submitter. Criteria: ACMG Guidelines, 2015. Collection method: clinical testing. Allele origin: germline.

Labcorp Genetics (formerly Invitae), Labcorp
Classification: Uncertain significance for Mitochondrial DNA depletion syndrome 9. Last evaluated: 2022-10-13. Review status: criteria provided, single submitter. Criteria: Invitae Variant Classification Sherloc (09022015). Collection method: clinical testing. Allele origin: germline.
Comment: This sequence change replaces threonine, which is neutral and polar, with methionine, which is neutral and non-polar, at codon 114 of the SUCLG1 protein (p.Thr114Met). This variant is present in population databases (rs201224138, gnomAD 0.03%). This variant has not been reported in the literature in individuals affected with SUCLG1-related conditions. ClinVar contains an entry for this variant (Variation ID: 203973). Advanced modeling of protein sequence and biophysical properties (such as structural, functional, and spatial information, amino acid conservation, physicochemical variation, residue mobility, and thermodynamic stability) has been performed at Invitae for this missense variant, however the output from this modeling did not meet the statistical confidence thresholds required to predict the impact of this variant on SUCLG1 protein function. In summary, the available evidence is currently insufficient to determine the role of this variant in disease. Therefore, it has been classified as a Variant of Uncertain Significance.

Illumina Laboratory Services, Illumina
Classification: Uncertain significance for Mitochondrial DNA depletion syndrome 9. Last evaluated: 2018-01-12. Review status: criteria provided, single submitter. Criteria: ICSL Variant Classification Criteria 13 December 2019. Collection method: clinical testing. Allele origin: germline.